The following is an entry in ClinVar:

ClinVar aggregate classification (germline): Likely pathogenic (1 of 4 stars; one submission).

Conditions:
Duchenne muscular dystrophy (DMD). Also called: Duchenne Muscular Dystrophy (DMD); MUSCULAR DYSTROPHY, PSEUDOHYPERTROPHIC PROGRESSIVE, DUCHENNE TYPE. Identifiers: Orphanet 98896, MedGen C0013264, MONDO:0010679, OMIM 310200.

Submission:

Labcorp Genetics (formerly Invitae), Labcorp
Classification: Likely pathogenic for Duchenne muscular dystrophy. Last evaluated: 2021-10-11. Review status: criteria provided, single submitter. Criteria: Invitae Variant Classification Sherloc (09022015). Collection method: clinical testing. Allele origin: germline.
Comment: Algorithms developed to predict the effect of sequence changes on RNA splicing suggest that this variant may disrupt the consensus splice site. In summary, the currently available evidence indicates that the variant is pathogenic, but additional data are needed to prove that conclusively. Therefore, this variant has been classified as Likely Pathogenic. This variant is not present in population databases (ExAC no frequency). This sequence change affects a splice site in intron 2 of the DMD gene. It is expected to disrupt RNA splicing. Variants that disrupt the donor or acceptor splice site typically lead to a loss of protein function (PMID: 16199547), and loss-of-function variants in DMD are known to be pathogenic (PMID: 16770791, 25007885). This variant has not been reported in the literature in individuals affected with DMD-related conditions.

Literature cited by the submitters: PubMed 16199547; PubMed 16770791; PubMed 25007885.

NM_004006.3(DMD):c.94-1del

Gene: DMD (dystrophin; minus strand). Cytogenetic location: Xp21.1.
Variant type: Deletion.
Coding change: c.94-1del on transcript NM_004006.3 (MANE Select); the canonical splice acceptor site of the intron before coding-DNA position 94, one base deleted (G; older notation c.94-1delG).
Molecular consequence: splice acceptor variant.
Genome position (GRCh38, 1-based): chrX:32,849,821, C deleted on the plus strand (G on the coding strand, the reverse complement: DMD is on the minus strand). VCF-style (leftmost placement, unchanged base first): chrX-32849820-AC-A. GRCh37 (hg19) VCF-style: chrX-32867937-AC-A.
Other names: c.70-1del (NM_000109.4); c.82-1del (NM_004009.3); c.-276-1del (NM_004010.3).
Identifiers: ClinVar variation 1466953 (VCV001466953.6), dbSNP rs2149015763, ClinGen allele CA2573158597.
Genomic context (GRCh38, chrX:32,849,820, plus strand): 5'-CTAGGAGGCGCCTCCCATCCTGTAGGTCACTGAAGAGGTTCTCAATATGCTGCTTCCCAA[AC>A]TGAAATTAAAAAAAATACACTCAATTTAACAAAGCACACTTCCAATGATACATTTTCACG-3'